The following is an entry in ClinVar:

NM_000238.4(KCNH2):c.2458G>A (p.Gly820Arg)

Gene: KCNH2 (potassium voltage-gated channel subfamily H member 2; minus strand). Cytogenetic location: 7q36.1.
Variant type: single nucleotide variant.
Coding change: c.2458G>A on transcript NM_000238.4 (MANE Select); coding-DNA position 2458, G replaced by A.
Protein change: p.Gly820Arg; replaces glycine 820 with arginine.
Molecular consequence: missense variant.
Genome position (GRCh38, 1-based): chr7:150,948,990, C>T on the plus strand (G>A on the coding strand, the complement: KCNH2 is on the minus strand). VCF-style: chr7-150948990-C-T. GRCh37 (hg19) VCF-style: chr7-150646078-C-T.
Other names: c.2458G>A (LRG_288t1); c.1438G>A, p.Gly480Arg (NM_172057.3); short protein forms G480R, G820R.
Identifiers: ClinVar variation 67401 (VCV000067401.56), dbSNP rs199473001, ClinGen allele CA006787.

ClinVar aggregate classification (germline): Uncertain significance. Review status: criteria provided, multiple submitters, no conflicts (2 of 4 stars). 6 submissions from 6 submitters: Uncertain significance (5). 1 of the submissions does not count toward it. Last evaluated 2025-06-19.

Conditions:
Cardiac arrhythmia. Also called: Arrhythmia; Cardiac rhythm disease. Identifiers: MedGen C0003811, MONDO:0007263, HP:0011675.
Familial long QT syndrome (RWS). Also called: Congenital long QT syndrome; Romano-Ward syndrome; VENTRICULAR FIBRILLATION WITH PROLONGED QT INTERVAL. Identifiers: Orphanet 768, MedGen C1141890, MONDO:0019171.
Long QT syndrome (LQTS). Identifiers: MedGen C0023976, MeSH D008133, MONDO:0002442. Disease mechanism: loss of function. Inheritance: Various modes of inheritance.
Short QT syndrome type 1. Identifiers: Orphanet 51083, MedGen C1865020, MONDO:0012312, OMIM 609620.
Long QT syndrome 2 (LQT2). Identifiers: Orphanet 101016, Orphanet 768, MedGen C3150943, MONDO:0013367, OMIM 613688.

Allele frequency attached by ClinVar (database versions not stated): gnomAD exomes 0.00001 and below 0.00001; ExAC 0.00001.
gnomAD v4.1: 7 of 1,614,224 alleles (0.00043%); highest among the groups gnomAD compares: South Asian, 0.0011%; no homozygotes.

Submissions (6):

Color Diagnostics, LLC DBA Color Health
Classification: Uncertain significance for Cardiac arrhythmia. Last evaluated: 2025-06-19. Review status: criteria provided, single submitter. Criteria: ACMG Guidelines, 2015. Collection method: clinical testing. Allele origin: germline.
Comment: This missense variant replaces glycine with arginine at codon 820 of the KCNH2 protein. This variant is located within the conserved cyclic nucleotide binding (aa 742-842) of the KCNH2 protein. Rare non-truncating variants in this region have been shown to be significantly overrepresented in individuals with long QT syndrome (PMID: 32893267). Computational prediction suggests that this variant may have a deleterious impact on protein structure and function. A functional study has shown that this variant causes abnormal trafficking of KCNH2 protein in transfected cells (PMID: 25417810). This variant has been reported in individual(s) affected with long QT syndrome (PMID: 15840476, 19841300, 22949429). This variant has been identified in 3/251436 chromosomes in the general population by the Genome Aggregation Database (gnomAD). The available evidence is insufficient to determine the role of this variant in disease conclusively. Therefore, this variant is classified as a Variant of Uncertain Significance.

All of Us Research Program, National Institutes of Health
Classification: Uncertain significance for Long QT syndrome. Last evaluated: 2024-06-11. Review status: criteria provided, single submitter. Criteria: ACMG Guidelines, 2015. Collection method: clinical testing. Allele origin: germline. Inheritance: Autosomal dominant inheritance. Observed: 4 variant alleles, 4 heterozygotes.
Comment: This missense variant replaces glycine with arginine at codon 820 of the KCNH2 protein. Computational prediction suggests that this variant may have deleterious impact on protein structure and function (internally defined REVEL score threshold >= 0.7, PMID: 27666373). Splice site prediction tools suggest that this variant may not impact RNA splicing. To our knowledge, functional studies have not been performed for this variant. This variant has been reported in 1 individual affected with long QT syndrome (PMID: 15840476, 19841300, 22949429). This variant has been identified in 3/251436 chromosomes in the general population by the Genome Aggregation Database (gnomAD). The available evidence is insufficient to determine the role of this variant in disease conclusively. Therefore, this variant is classified as a Variant of Uncertain Significance.

This study involves interpretation of variants in research participants for the purpose of population health screening. Participant phenotype was not available at the time of variant classification. Additional details can be found in publication PMID: 35346344, PMCID: PMC8962531

GeneDx
Classification: Uncertain significance. Last evaluated: 2022-11-22. Review status: criteria provided, single submitter. Criteria: GeneDx Variant Classification Process June 2021. Collection method: clinical testing. Allele origin: germline. Affected: yes.
Comment: Not observed at significant frequency in large population cohorts (gnomAD); Published functional studies assessing this variant demonstrate a protein trafficking defect (Anderson et al., 2014), however additional studies are needed to validate the functional effect of this variant in vivo; In silico analysis supports that this missense variant does not alter protein structure/function; This variant is associated with the following publications: (PMID: 19841300, 22581653, 22949429, 15840476, 25417810)

Labcorp Genetics (formerly Invitae), Labcorp
Classification: Uncertain significance for Long QT syndrome. Last evaluated: 2022-07-23. Review status: criteria provided, single submitter. Criteria: Invitae Variant Classification Sherloc (09022015). Collection method: clinical testing. Allele origin: germline.
Comment: This sequence change replaces glycine, which is neutral and non-polar, with arginine, which is basic and polar, at codon 820 of the KCNH2 protein (p.Gly820Arg). This variant is present in population databases (rs199473001, gnomAD 0.003%). This missense change has been observed in individual(s) with long QT Syndrome (PMID: 15840476, 19841300, 22949429). ClinVar contains an entry for this variant (Variation ID: 67401). Algorithms developed to predict the effect of missense changes on protein structure and function are either unavailable or do not agree on the potential impact of this missense change (SIFT: "Deleterious"; PolyPhen-2: "Probably Damaging"; Align-GVGD: "Class C0"). Experimental studies have shown that this missense change affects KCNH2 function (PMID: 25417810). In summary, the available evidence is currently insufficient to determine the role of this variant in disease. Therefore, it has been classified as a Variant of Uncertain Significance.

Fulgent Genetics
Classification: Uncertain significance for Short QT syndrome type 1; Long QT syndrome 2. Last evaluated: 2021-07-27. Review status: criteria provided, single submitter. Criteria: ACMG Guidelines, 2015. Collection method: clinical testing. Allele origin: unknown.

Cardiovascular Biomedical Research Unit, Royal Brompton & Harefield NHS Foundation Trust
No classification provided. Condition: Familial long QT syndrome. Review status: no classification provided. Collection method: literature only. Allele origin: germline. Not counted in ClinVar's aggregate classification.
Comment: This variant has been reported as associated with Long QT syndrome in the following publications (PMID:15840476;PMID:19841300). This is a literature report, and does not necessarily reflect the clinical interpretation of the Imperial College / Royal Brompton Cardiovascular Genetics laboratory.

Literature cited by the submitters: PubMed 15840476 (cited by 4 submitters); PubMed 19841300 (cited by 4 submitters); PubMed 22949429 (cited by 3 submitters); PubMed 25417810 (cited by Color Diagnostics, LLC DBA Color Health and Labcorp Genetics (formerly Invitae), Labcorp); PubMed 32893267 (cited by Color Diagnostics, LLC DBA Color Health); PubMed 22581653 (cited by Cardiovascular Biomedical Research Unit, Royal Brompton & Harefield NHS Foundation Trust).